The following is an entry in ClinVar:

NM_020928.2(ZSWIM6):c.1034-8A>G

Gene: ZSWIM6 (zinc finger SWIM-type containing 6; plus strand). Cytogenetic location: 5q12.1.
Variant type: single nucleotide variant.
Coding change: c.1034-8A>G on transcript NM_020928.2 (MANE Select); 8 bases into the intron before coding-DNA position 1034, A replaced by G.
Molecular consequence: intron variant.
Genome position (GRCh38, 1-based): chr5:61,490,778, A>G. VCF-style: chr5-61490778-A-G. GRCh37 (hg19) VCF-style: chr5-60786605-A-G.
Identifiers: ClinVar variation 3001762 (VCV003001762.16), dbSNP rs1236672114, ClinGen allele CA559977354.

ClinVar aggregate classification (germline): Likely benign. Review status: criteria provided, multiple submitters, no conflicts (2 of 4 stars). 2 submissions from 2 submitters: Likely benign (2). Last evaluated 2025-01-01.

Allele frequency attached by ClinVar (database versions not stated): gnomAD exomes below 0.00001; TOPMed below 0.00001; gnomAD 0.00002.
gnomAD v4.1: 6 of 1,543,686 alleles (0.00039%); highest among the groups gnomAD compares: African/African-American, 0.0083%; no homozygotes.

Submissions (2):

CeGaT Center for Human Genetics Tuebingen
Classification: Likely benign. Last evaluated: 2025-01-01. Review status: criteria provided, single submitter. Criteria: CeGaT Center For Human Genetics Tuebingen Variant Classification Criteria Version 2. Collection method: clinical testing. Allele origin: germline. Affected: yes. Observed: 1 variant allele.
Comment: ZSWIM6: BP4

Labcorp Genetics (formerly Invitae), Labcorp
Classification: Likely benign. Last evaluated: 2024-10-24. Review status: criteria provided, single submitter. Criteria: Invitae Variant Classification Sherloc (09022015). Collection method: clinical testing. Allele origin: germline.